The following is an entry in ClinVar:

ClinVar aggregate classification (germline): Uncertain significance (1 of 4 stars; one submission).

Conditions:
GLUT1 deficiency syndrome 1, autosomal recessive. Identifiers: MedGen C3149117.

Submission:

Labcorp Genetics (formerly Invitae), Labcorp
Classification: Uncertain significance for GLUT1 deficiency syndrome 1, autosomal recessive. Last evaluated: 2025-12-21. Review status: criteria provided, single submitter. Criteria: Invitae Variant Classification Sherloc (09022015). Collection method: clinical testing. Allele origin: germline.
Comment: This sequence change replaces tryptophan, which is neutral and slightly polar, with arginine, which is basic and polar, at codon 388 of the SLC2A1 protein (p.Trp388Arg). This variant is not present in population databases (gnomAD no frequency). This variant has not been reported in the literature in individuals affected with SLC2A1-related conditions. Invitae Evidence Modeling of protein sequence and biophysical properties (such as structural, functional, and spatial information, amino acid conservation, physicochemical variation, residue mobility, and thermodynamic stability) indicates that this missense variant is expected to disrupt SLC2A1 protein function with a positive predictive value of 95%. In summary, the available evidence is currently insufficient to determine the role of this variant in disease. Therefore, it has been classified as a Variant of Uncertain Significance.

NM_006516.4(SLC2A1):c.1162T>A (p.Trp388Arg)

Gene: SLC2A1 (solute carrier family 2 member 1; minus strand). Cytogenetic location: 1p34.2.
Variant type: single nucleotide variant.
Coding change: c.1162T>A on transcript NM_006516.4 (MANE Select); coding-DNA position 1162, T replaced by A.
Protein change: p.Trp388Arg; replaces tryptophan 388 with arginine.
Molecular consequence: missense variant.
Genome position (GRCh38, 1-based): chr1:42,927,721, A>T on the plus strand (T>A on the coding strand, the complement: SLC2A1 is on the minus strand). VCF-style: chr1-42927721-A-T. GRCh37 (hg19) VCF-style: chr1-43393392-A-T.
Other names: short protein forms W388R.
Identifiers: ClinVar variation 4799889 (VCV004799889.1).